The following is an entry in ClinVar:

NM_005676.5(RBM10):c.2650A>G (p.Ile884Val)

Gene: RBM10 (RNA binding motif protein 10; plus strand). Cytogenetic location: Xp11.3.
Variant type: single nucleotide variant.
Coding change: c.2650A>G on transcript NM_005676.5 (MANE Select); coding-DNA position 2650, A replaced by G.
Protein change: p.Ile884Val; replaces isoleucine 884 with valine.
Molecular consequence: missense variant.
Genome position (GRCh38, 1-based): chrX:47,186,370, A>G. VCF-style: chrX-47186370-A-G. GRCh37 (hg19) VCF-style: chrX-47045769-A-G.
Other names: c.2419A>G, p.Ile807Val (NM_001204466.2); c.2647A>G, p.Ile883Val (NM_001204467.2); c.2845A>G, p.Ile949Val (NM_001204468.2); c.2416A>G, p.Ile806Val (NM_152856.3); short protein forms I806V, I807V, I883V, I884V, I949V.
Identifiers: ClinVar variation 2507355 (VCV002507355.1), dbSNP rs2147227035, ClinGen allele CA412809793.
Genomic context (GRCh38, chrX:47,186,370, plus strand): 5'-CGGATGCTGCAGGCCATGGGCTGGAAAGAGGGCAGCGGCCTGGGCCGCAAGAAGCAGGGC[A>G]TTGTAACGCCTATCGAGGTGAGTCTCAGGCAGTCCTGTCCCATCCCCCAGCACCCCTCAC-3'
Protein context (NP_005667.2, residues 874-894): GSGLGRKKQG[Ile884Val]VTPIEAQTRV

ClinVar aggregate classification (germline): Uncertain significance (1 of 4 stars; one submission).

Submission:

GeneDx
Classification: Uncertain significance. Last evaluated: 2023-01-03. Review status: criteria provided, single submitter. Criteria: GeneDx Variant Classification Process June 2021. Collection method: clinical testing. Allele origin: germline. Affected: yes.
Comment: Not observed at significant frequency in large population cohorts (gnomAD); In silico analysis supports that this missense variant does not alter protein structure/function; Has not been previously published as pathogenic or benign to our knowledge